The following is an entry in ClinVar:

NM_014585.6(SLC40A1):c.937G>A (p.Gly313Ser)

Gene: SLC40A1 (solute carrier family 40 member 1; minus strand). Cytogenetic location: 2q32.2.
Variant type: single nucleotide variant.
Coding change: c.937G>A on transcript NM_014585.6 (MANE Select); coding-DNA position 937, G replaced by A.
Protein change: p.Gly313Ser; replaces glycine 313 with serine.
Molecular consequence: missense variant.
Genome position (GRCh38, 1-based): chr2:189,564,049, C>T on the plus strand (G>A on the coding strand, the complement: SLC40A1 is on the minus strand). VCF-style: chr2-189564049-C-T. GRCh37 (hg19) VCF-style: chr2-190428775-C-T.
Other names: short protein forms G313S.
Identifiers: ClinVar variation 3697052 (VCV003697052.2).
Genomic context (GRCh38, chr2:189,564,049, plus strand): 5'-AGGCGTACCCTGTGGTGATGCAGTCAAAGCCCAGGACAGTCATATAAAGGAAAGCAAGAC[C>T]CATGCCAGCCAGAAACACAGGCTGGTTGTAGTAGGAGACCCATCCATCTCGGAAGGTACG-3'
Protein context (NP_055400.1, residues 303-323): YNQPVFLAGM[Gly313Ser]LAFLYMTVLG

ClinVar aggregate classification (germline): Uncertain significance (1 of 4 stars; one submission).

Conditions:
Hemochromatosis type 4 (HFE4). Also called: HEMOCHROMATOSIS DUE TO DEFECT IN FERROPORTIN; HEMOCHROMATOSIS, AUTOSOMAL DOMINANT; Ferroportin disease. Identifiers: Orphanet 139491, Orphanet 647834, Orphanet 648562, MedGen C1853733, MONDO:0011631, OMIM 606069.

Submission:

Labcorp Genetics (formerly Invitae), Labcorp
Classification: Uncertain significance for Hemochromatosis type 4. Last evaluated: 2024-12-25. Review status: criteria provided, single submitter. Criteria: Invitae Variant Classification Sherloc (09022015). Collection method: clinical testing. Allele origin: germline.
Comment: This sequence change replaces glycine, which is neutral and non-polar, with serine, which is neutral and polar, at codon 313 of the SLC40A1 protein (p.Gly313Ser). This variant is present in population databases (no rsID available, gnomAD 0.0009%). This variant has not been reported in the literature in individuals affected with SLC40A1-related conditions. Invitae Evidence Modeling of protein sequence and biophysical properties (such as structural, functional, and spatial information, amino acid conservation, physicochemical variation, residue mobility, and thermodynamic stability) has been performed for this missense variant. However, the output from this modeling did not meet the statistical confidence thresholds required to predict the impact of this variant on SLC40A1 protein function. In summary, the available evidence is currently insufficient to determine the role of this variant in disease. Therefore, it has been classified as a Variant of Uncertain Significance.